The following is an entry in ClinVar:

NM_177438.3(DICER1):c.982G>A (p.Glu328Lys)

Gene: DICER1 (dicer 1, ribonuclease III; minus strand). Cytogenetic location: 14q32.13.
Variant type: single nucleotide variant.
Coding change: c.982G>A on transcript NM_177438.3 (MANE Select); coding-DNA position 982, G replaced by A.
Protein change: p.Glu328Lys; replaces glutamic acid 328 with lysine.
Molecular consequence: missense variant.
Genome position (GRCh38, 1-based): chr14:95,124,590, C>T on the plus strand (G>A on the coding strand, the complement: DICER1 is on the minus strand). VCF-style: chr14-95124590-C-T. GRCh37 (hg19) VCF-style: chr14-95590927-C-T.
Other names: c.982G>A, p.Glu328Lys (NM_001195573.1, NM_001271282.3, NM_001291628.2 and 1 more transcripts); short protein forms E328K.
Identifiers: ClinVar variation 1010428 (VCV001010428.10), dbSNP rs1893240278, ClinGen allele CA390887236.

ClinVar aggregate classification (germline): Uncertain significance (1 of 4 stars; one submission).

Conditions:
DICER1-related tumor predisposition. Also called: DICER1-related pleuropulmonary blastoma cancer predisposition syndrome; DICER1 syndrome. Identifiers: Orphanet 284343, MedGen C3839822, MONDO:0100216.

Submission:

Labcorp Genetics (formerly Invitae), Labcorp
Classification: Uncertain significance for DICER1-related tumor predisposition. Last evaluated: 2023-12-06. Review status: criteria provided, single submitter. Criteria: Invitae Variant Classification Sherloc (09022015). Collection method: clinical testing. Allele origin: germline.
Comment: This sequence change replaces glutamic acid, which is acidic and polar, with lysine, which is basic and polar, at codon 328 of the DICER1 protein (p.Glu328Lys). This variant is not present in population databases (gnomAD no frequency). This variant has not been reported in the literature in individuals affected with DICER1-related conditions. ClinVar contains an entry for this variant (Variation ID: 1010428). Advanced modeling of protein sequence and biophysical properties (such as structural, functional, and spatial information, amino acid conservation, physicochemical variation, residue mobility, and thermodynamic stability) performed at Invitae indicates that this missense variant is not expected to disrupt DICER1 protein function with a negative predictive value of 80%. In summary, the available evidence is currently insufficient to determine the role of this variant in disease. Therefore, it has been classified as a Variant of Uncertain Significance.